The following is an entry in ClinVar:

ClinVar aggregate classification (germline): Uncertain significance (1 of 4 stars; one submission).

gnomAD v4.1: 11 of 1,614,144 alleles (0.00068%); highest among the groups gnomAD compares: Middle Eastern, 0.016%; no homozygotes.

Submission:

Labcorp Genetics (formerly Invitae), Labcorp
Classification: Uncertain significance. Last evaluated: 2025-08-13. Review status: criteria provided, single submitter. Criteria: Invitae Variant Classification Sherloc (09022015). Collection method: clinical testing. Allele origin: germline.
Comment: This sequence change creates a premature translational stop signal (p.Cys75*) in the LIPC gene. It is expected to result in an absent or disrupted protein product. However, the current clinical and genetic evidence is not sufficient to establish whether loss-of-function variants in LIPC cause disease. This variant is not present in population databases (gnomAD no frequency). This variant has not been reported in the literature in individuals affected with LIPC-related conditions. Algorithms developed to predict the effect of sequence changes on RNA splicing suggest that this variant may disrupt the consensus splice site. In summary, the available evidence is currently insufficient to determine the role of this variant in disease. Therefore, it has been classified as a Variant of Uncertain Significance.

NM_000236.3(LIPC):c.225C>A (p.Cys75Ter)

Gene: LIPC (lipase C, hepatic type; plus strand). Cytogenetic location: 15q21.3.
Variant type: single nucleotide variant.
Coding change: c.225C>A on transcript NM_000236.3 (MANE Select); coding-DNA position 225, C replaced by A.
Protein change: p.Cys75Ter; replaces cysteine 75 with a stop codon.
Molecular consequence: nonsense.
Genome position (GRCh38, 1-based): chr15:58,538,469, C>A. VCF-style: chr15-58538469-C-A. GRCh37 (hg19) VCF-style: chr15-58830668-C-A.
Other names: short protein forms C75*.
Identifiers: ClinVar variation 4754454 (VCV004754454.1).
Genomic context (GRCh38, chr15:58,538,469, plus strand): 5'-TGGAGAAACCAATCAGGGCTGTCAGATTCGAATCAATCATCCGGACACGTTACAGGAGTG[C>A]GGCTTCAACTCCTCCCTGCCTCTGGTGATGATAATCCACGGGTGGTCGGTAGGAAATGCT-3'